The following is an entry in ClinVar:

NM_000540.3(RYR1):c.11369G>T (p.Gly3790Val)

Gene: RYR1 (ryanodine receptor 1; plus strand). Cytogenetic location: 19q13.2.
Variant type: single nucleotide variant.
Coding change: c.11369G>T on transcript NM_000540.3 (MANE Select); coding-DNA position 11369, G replaced by T.
Protein change: p.Gly3790Val; replaces glycine 3790 with valine.
Molecular consequence: missense variant.
Genome position (GRCh38, 1-based): chr19:38,535,150, G>T. VCF-style: chr19-38535150-G-T. GRCh37 (hg19) VCF-style: chr19-39025790-G-T.
Other names: c.11354G>T, p.Gly3785Val (NM_001042723.2); short protein forms G3785V, G3790V.
Identifiers: ClinVar variation 2578825 (VCV002578825.25), dbSNP rs2514530114, ClinGen allele CA405655095.
Genomic context (GRCh38, chr19:38,535,150, plus strand): 5'-CACACTGCCTTCCAACTGGGTGGACCATCTTTTTTCTCCCACTCCCTCCAGGAGAGACAG[G>T]TGCCATGGTGTCCTCCACCCTGAAGCTGGGCATCTCCATCCTCAATGGAGGCAATGCTGA-3'
Protein context (NP_000531.2, residues 3780-3800): QMISACKGET[Gly3790Val]AMVSSTLKLG

ClinVar aggregate classification (germline): Uncertain significance (1 of 4 stars; one submission).

Submission:

CeGaT Center for Human Genetics Tuebingen
Classification: Uncertain significance. Last evaluated: 2023-08-01. Review status: criteria provided, single submitter. Criteria: CeGaT Center For Human Genetics Tuebingen Variant Classification Criteria Version 2. Collection method: clinical testing. Allele origin: germline. Affected: yes. Observed: 1 variant allele.
Comment: RYR1: PM2, PM3:Supporting, PP3